The following is an entry in ClinVar:

NM_001034853.2(RPGR):c.2847_2848inv (p.Glu949_Glu950delinsAspTer)

Gene: RPGR (retinitis pigmentosa GTPase regulator; minus strand). Cytogenetic location: Xp11.4.
Variant type: Inversion.
Coding change: c.2847_2848inv on transcript NM_001034853.2 (MANE Select).
Protein change: p.Glu949_Glu950delinsAspTer.
Molecular consequence: nonsense. On other transcripts: intron variant (8).
Genome position: GRCh38 VCF-style: chrX-38286151-CT-AG. GRCh37 (hg19) VCF-style: chrX-38145404-CT-AG.
Other names: NM_001034853.2(RPGR):c.2847_2848inv; p.Glu949_Glu950delinsAspTer; c.1569+4807_1569+4808inv (NM_001367249.1, NM_001367250.1); c.1902+942_1902+943inv (NM_001367245.1); c.1386+4807_1386+4808inv (NM_001367251.1); c.1719+942_1719+943inv (NM_001367246.1); c.1572+4807_1572+4808inv (NM_001367247.1); c.1905+942_1905+943inv (NM_000328.3); and 1 more.
Identifiers: ClinVar variation 9917 (VCV000009917.3), ClinGen allele CA120807.

ClinVar aggregate classification (germline): Pathogenic. Review status: reviewed by expert panel (3 of 4 stars). 2 submissions from 2 submitters: Pathogenic (1). 1 of the submissions does not count toward it. Last evaluated 2025-09-05.

Conditions:
RPGR-related retinopathy. Also called: RPGR retinopathy. Identifiers: MedGen CN305589, MONDO:0100437.
X-linked cone-rod dystrophy 1 (CORDX1). Identifiers: Orphanet 1872, MedGen C1844776, MONDO:0010566, OMIM 304020.

Submissions (2):

ClinGen X-linked Inherited Retinal Disease Variant Curation Expert Panel, ClinGen
Classification: Pathogenic for RPGR-related retinopathy. Last evaluated: 2025-09-05. Review status: reviewed by expert panel. Criteria: ClinGen X LinkedIRD ACMG Specifications RPGR V1.0.0. Collection method: curation. Allele origin: germline. Inheritance: X-linked inheritance.
Comment: NM_001034853.2(RPGR):c.2847_2848delinsCT (p.Glu949AspfsTer2) is a variant consisting of two consecutive substitutions in codons 949 and 950 that result in a missense change at amino acid 949 and a premature stop in codon 950 within exon 15 of 15, which is predicted to disrupt a critical C-terminal region required for proper glutamylation of RPGR (PVS1, PMID: 36445968). This variant is absent from gnomAD v4.1.0 (PM2_Supporting). The variant has been reported to segregate with retinal dystrophy through at least 5 affected meioses from 1 family. (PP1_Moderate; PMID: 15914600). This variant has been reported in at least 1 proband meeting the PS4 requirement of some functional vision impairment in affected males by age 30 years, with decreased or absent cone and/or rod electroretinogram responses (PMID: 15914600). However, PS4_Supporting requires at least 2 unrelated probands, so this criterion was not met. In summary, this variant is classified as pathogenic for RPGR-related retinopathy based on the ClinGen X-linked Inherited Retinal Disease Expert Panel Specifications to the ACMG/AMP Variant Interpretation Guidelines for RPGR Version 1.0.0; PVS1, PM2_Supporting, and PP1_Moderate.

OMIM
Classification: Pathogenic for CONE-ROD DYSTROPHY, X-LINKED, 1. Last evaluated: 2005-06-01. Review status: no assertion criteria provided. Collection method: literature only. Allele origin: germline. Not counted in ClinVar's aggregate classification.

Literature cited by the submitters: PubMed 15914600 (cited by OMIM).